The following is an entry in ClinVar:

NM_031407.7(HUWE1):c.11911C>T (p.Arg3971Trp)

Gene: HUWE1 (HECT, UBA and WWE domain containing E3 ubiquitin protein ligase 1; minus strand). Cytogenetic location: Xp11.22.
Variant type: single nucleotide variant.
Coding change: c.11911C>T on transcript NM_031407.7 (MANE Select); coding-DNA position 11911, C replaced by T.
Protein change: p.Arg3971Trp; replaces arginine 3971 with tryptophan.
Molecular consequence: missense variant.
Genome position (GRCh38, 1-based): chrX:53,538,422, G>A on the plus strand (C>T on the coding strand, the complement: HUWE1 is on the minus strand). VCF-style: chrX-53538422-G-A. GRCh37 (hg19) VCF-style: chrX-53565383-G-A.
Other names: short protein forms R3971W.
Identifiers: ClinVar variation 1707830 (VCV001707830.2), dbSNP rs2522296765, ClinGen allele CA413157196.

ClinVar aggregate classification (germline): Uncertain significance (1 of 4 stars; one submission).

Submission:

GeneDx
Classification: Uncertain significance. Last evaluated: 2022-06-17. Review status: criteria provided, single submitter. Criteria: GeneDx Variant Classification Process June 2021. Collection method: clinical testing. Allele origin: germline. Affected: yes.
Comment: Not observed in large population cohorts (gnomAD); In silico analysis supports that this missense variant has a deleterious effect on protein structure/function; Has not been previously published as pathogenic or benign to our knowledge